The following is an entry in ClinVar:

NM_001903.5(CTNNA1):c.417G>C (p.Leu139=)

Gene: CTNNA1 (catenin alpha 1; plus strand). Cytogenetic location: 5q31.2.
Variant type: single nucleotide variant.
Coding change: c.417G>C on transcript NM_001903.5 (MANE Select); coding-DNA position 417, G replaced by C.
Protein change: p.Leu139=; no amino-acid change (leucine 139 retained).
Molecular consequence: synonymous variant.
Genome position (GRCh38, 1-based): chr5:138,810,153, G>C. VCF-style: chr5-138810153-G-C. GRCh37 (hg19) VCF-style: chr5-138145842-G-C.
Other names: c.417G>C, p.Leu139= (NM_001290307.3, NM_001323982.2, NM_001323983.1 and 3 more transcripts); c.108G>C, p.Leu36= (NM_001290309.3); c.48G>C, p.Leu16= (NM_001290310.3).
Identifiers: ClinVar variation 1602860 (VCV001602860.9), dbSNP rs1059021, ClinGen allele CA128219086.

ClinVar aggregate classification (germline): Benign/Likely benign. Review status: criteria provided, multiple submitters, no conflicts (2 of 4 stars). 2 submissions from 2 submitters: Benign (1); Likely benign (1). Last evaluated 2024-10-09.

Conditions:
Hereditary diffuse gastric adenocarcinoma (HDGC). Also called: DIFFUSE GASTRIC AND LOBULAR BREAST CANCER SYNDROME. Identifiers: Orphanet 26106, MedGen C1708349, MONDO:0007648, OMIM 137215.

Submissions (2):

Myriad Genetics, Inc.
Classification: Benign for Hereditary diffuse gastric adenocarcinoma. Last evaluated: 2024-10-09. Review status: criteria provided, single submitter. Criteria: Myriad Autosomal Dominant, Autosomal Recessive and X-Linked Classification Criteria (2023). Collection method: clinical testing. Allele origin: unknown.
Comment: This variant is considered benign. This variant is a silent/synonymous amino acid change and it is not expected to impact splicing.

Labcorp Genetics (formerly Invitae), Labcorp
Classification: Likely benign. Last evaluated: 2024-06-03. Review status: criteria provided, single submitter. Criteria: Invitae Variant Classification Sherloc (09022015). Collection method: clinical testing. Allele origin: germline.